The following is an entry in ClinVar:

NM_130384.3(ATRIP):c.1307A>G (p.Asp436Gly)

Genes: ATRIP (ATR interacting protein; plus strand), ATRIP-TREX1 (ATRIP-TREX1 readthrough; plus strand). Cytogenetic location: 3p21.31.
Variant type: single nucleotide variant.
Coding change: c.1307A>G on transcript NM_130384.3 (MANE Select); coding-DNA position 1307, A replaced by G.
Protein change: p.Asp436Gly; replaces aspartic acid 436 with glycine.
Molecular consequence: missense variant. On other transcripts: non-coding transcript variant (1).
Genome position (GRCh38, 1-based): chr3:48,460,361, A>G. VCF-style: chr3-48460361-A-G. GRCh37 (hg19) VCF-style: chr3-48501760-A-G.
Other names: c.926A>G, p.Asp309Gly (NM_001271022.2); c.1028A>G, p.Asp343Gly (NM_001271023.2); c.1307A>G, p.Asp436Gly (NM_032166.4); short protein forms D343G, D309G, D436G.
Identifiers: ClinVar variation 3809862 (VCV003809862.1).

ClinVar aggregate classification (germline): Uncertain significance (1 of 4 stars; one submission).

gnomAD v4.1: 2 of 1,613,376 alleles (0.00012%); highest among the groups gnomAD compares: Non-Finnish European, 0.00017%; no homozygotes.

Submission:

Ambry Genetics
Classification: Uncertain significance. Last evaluated: 2025-01-15. Review status: criteria provided, single submitter. Criteria: Ambry Variant Classification Scheme 2023. Collection method: clinical testing. Allele origin: germline.
Comment: The p.D436G variant (also known as c.1307A>G), located in coding exon 8 of the ATRIP gene, results from an A to G substitution at nucleotide position 1307. The aspartic acid at codon 436 is replaced by glycine, an amino acid with similar properties. This amino acid position is conserved. In addition, this alteration is predicted to be tolerated by in silico analysis. Based on the available evidence, the clinical significance of this variant remains unclear.